The following is an entry in ClinVar:

ClinVar aggregate classification (germline): Uncertain significance (1 of 4 stars; one submission).

Conditions:
Hereditary nonpolyposis colorectal neoplasms. Identifiers: MedGen C0009405, MeSH D003123.

Submission:

Labcorp Genetics (formerly Invitae), Labcorp
Classification: Uncertain significance for Hereditary nonpolyposis colorectal neoplasms. Last evaluated: 2024-10-22. Review status: criteria provided, single submitter. Criteria: Invitae Variant Classification Sherloc (09022015). Collection method: clinical testing. Allele origin: germline.
Comment: This sequence change replaces glutamic acid, which is acidic and polar, with alanine, which is neutral and non-polar, at codon 1023 of the MSH6 protein (p.Glu1023Ala). This variant is not present in population databases (gnomAD no frequency). This variant has not been reported in the literature in individuals affected with MSH6-related conditions. ClinVar contains an entry for this variant (Variation ID: 525865). Invitae Evidence Modeling of protein sequence and biophysical properties (such as structural, functional, and spatial information, amino acid conservation, physicochemical variation, residue mobility, and thermodynamic stability) indicates that this missense variant is not expected to disrupt MSH6 protein function with a negative predictive value of 95%. In summary, the available evidence is currently insufficient to determine the role of this variant in disease. Therefore, it has been classified as a Variant of Uncertain Significance.

NM_000179.3(MSH6):c.3068A>C (p.Glu1023Ala)

Gene: MSH6 (mutS homolog 6; plus strand). Cytogenetic location: 2p16.3.
Variant type: single nucleotide variant.
Coding change: c.3068A>C on transcript NM_000179.3 (MANE Select); coding-DNA position 3068, A replaced by C.
Protein change: p.Glu1023Ala; replaces glutamic acid 1023 with alanine.
Molecular consequence: missense variant.
Genome position (GRCh38, 1-based): chr2:47,801,051, A>C. VCF-style: chr2-47801051-A-C. GRCh37 (hg19) VCF-style: chr2-48028190-A-C.
Other names: c.2678A>C, p.Glu893Ala (NM_001281492.2); c.2162A>C, p.Glu721Ala (NM_001281493.2, NM_001281494.2); short protein forms E1023A, E893A, E721A.
Identifiers: ClinVar variation 525865 (VCV000525865.9), dbSNP rs1553414454, ClinGen allele CA346756539.